The following is an entry in ClinVar:

NM_001195553.2(DCX):c.4G>A (p.Glu2Lys)

Gene: DCX (doublecortin; minus strand). Cytogenetic location: Xq23.
Variant type: single nucleotide variant.
Coding change: c.4G>A on transcript NM_001195553.2 (MANE Select); coding-DNA position 4, G replaced by A.
Protein change: p.Glu2Lys; replaces glutamic acid 2 with lysine.
Molecular consequence: missense variant.
Genome position (GRCh38, 1-based): chrX:111,410,395, C>T on the plus strand (G>A on the coding strand, the complement: DCX is on the minus strand). VCF-style: chrX-111410395-C-T. GRCh37 (hg19) VCF-style: chrX-110653623-C-T.
Other names: c.247G>A, p.Glu83Lys (NM_000555.3); c.4G>A, p.Glu2Lys (NM_001369370.1, NM_001369371.1, NM_001369372.1 and 6 more transcripts); short protein forms E2K, E83K.
Identifiers: ClinVar variation 2737358 (VCV002737358.3), dbSNP rs2524860121, ClinGen allele CA414247340.
Genomic context (GRCh38, chrX:111,410,395, plus strand): 5'-GGGAGCCTCGCATGTTCCTGGATGTCTTATCTCTTTCGTCAAAGTGTCCAAAATCAAGTT[C>T]CATATTTTGGTGGAACCTCAGAGACCTGAGCGTGGGAGAAAGGGATGGGGGTGAAGAGAG-3'
Protein context (NP_001182482.1, residues 1-12): M[Glu2Lys]LDFGHFDERD

ClinVar aggregate classification (germline): Uncertain significance (1 of 4 stars; one submission).

Submission:

Labcorp Genetics (formerly Invitae), Labcorp
Classification: Uncertain significance. Last evaluated: 2023-08-23. Review status: criteria provided, single submitter. Criteria: Invitae Variant Classification Sherloc (09022015). Collection method: clinical testing. Allele origin: germline.
Comment: In summary, the available evidence is currently insufficient to determine the role of this variant in disease. Therefore, it has been classified as a Variant of Uncertain Significance. Experimental studies have shown that this missense change affects DCX function (PMID: 30979500). An algorithm developed to predict the effect of missense changes on protein structure and function (PolyPhen-2) suggests that this variant is likely to be disruptive. This missense change has been observed in individual(s) with DCX-related conditions (PMID: 20726879). It has also been observed to segregate with disease in related individuals. This variant is not present in population databases (gnomAD no frequency). This sequence change replaces glutamic acid, which is acidic and polar, with lysine, which is basic and polar, at codon 2 of the DCX protein (p.Glu2Lys).

Literature cited by the submitters: PubMed 30979500; PubMed 20726879.